The following is an entry in ClinVar:

ClinVar aggregate classification (germline): Uncertain significance (1 of 4 stars; one submission).

Conditions:
Cardiovascular phenotype. Identifiers: MedGen CN230736.

Submission:

Ambry Genetics
Classification: Uncertain significance for Cardiovascular phenotype. Last evaluated: 2026-09-11. Review status: criteria provided, single submitter. Criteria: Ambry Variant Classification Scheme 2023. Collection method: clinical testing. Allele origin: germline.
Comment: The p.N1810D variant (also known as c.5428A>G), located in coding exon 26 of the APOB gene, results from an A to G substitution at nucleotide position 5428. The asparagine at codon 1810 is replaced by aspartic acid, an amino acid with highly similar properties. This amino acid position is conserved. In addition, this alteration is predicted to be tolerated by in silico analysis. Based on the available evidence, the clinical significance of this variant remains unclear.

NM_000384.3(APOB):c.5428A>G (p.Asn1810Asp)

Gene: APOB (apolipoprotein B; minus strand). Cytogenetic location: 2p24.1.
Variant type: single nucleotide variant.
Coding change: c.5428A>G on transcript NM_000384.3 (MANE Select); coding-DNA position 5428, A replaced by G.
Protein change: p.Asn1810Asp; replaces asparagine 1810 with aspartic acid.
Molecular consequence: missense variant.
Genome position (GRCh38, 1-based): chr2:21,011,440, T>C on the plus strand (A>G on the coding strand, the complement: APOB is on the minus strand). VCF-style: chr2-21011440-T-C. GRCh37 (hg19) VCF-style: chr2-21234312-T-C.
Other names: short protein forms N1810D.
Identifiers: ClinVar variation 3933935 (VCV003933935.2).